The following is an entry in ClinVar:

NM_030665.4(RAI1):c.4183G>C (p.Gly1395Arg)

Gene: RAI1 (retinoic acid induced 1; plus strand). Cytogenetic location: 17p11.2.
Variant type: single nucleotide variant.
Coding change: c.4183G>C on transcript NM_030665.4 (MANE Select); coding-DNA position 4183, G replaced by C.
Protein change: p.Gly1395Arg; replaces glycine 1395 with arginine.
Molecular consequence: missense variant.
Genome position (GRCh38, 1-based): chr17:17,797,131, G>C. VCF-style: chr17-17797131-G-C. GRCh37 (hg19) VCF-style: chr17-17700445-G-C.
Other names: short protein forms G1395R.
Identifiers: ClinVar variation 589418 (VCV000589418.13), dbSNP rs1458340042, ClinGen allele CA398555889.

ClinVar aggregate classification (germline): Uncertain significance. Review status: criteria provided, multiple submitters, no conflicts (2 of 4 stars). 3 submissions from 3 submitters: Uncertain significance (2). 1 of the submissions does not count toward it. Last evaluated 2025-10-26.

Conditions:
RAI1-related disorder. Also called: RAI1-related condition.
Inborn genetic diseases. Identifiers: MedGen C0950123, MeSH D030342.

Allele frequency attached by ClinVar (database versions not stated): gnomAD 0.00001 and 0.00002; TOPMed 0.00009.
gnomAD v4.1: 12 of 1,613,934 alleles (0.00074%); highest among the groups gnomAD compares: Admixed American, 0.005%; no homozygotes.

Submissions (3):

Labcorp Genetics (formerly Invitae), Labcorp
Classification: Uncertain significance. Last evaluated: 2025-10-26. Review status: criteria provided, single submitter. Criteria: Invitae Variant Classification Sherloc (09022015). Collection method: clinical testing. Allele origin: germline.
Comment: This sequence change replaces glycine, which is neutral and non-polar, with arginine, which is basic and polar, at codon 1395 of the RAI1 protein (p.Gly1395Arg). This variant is present in population databases (no rsID available, gnomAD no frequency). This variant has not been reported in the literature in individuals affected with RAI1-related conditions. ClinVar contains an entry for this variant (Variation ID: 589418). Invitae Evidence Modeling of protein sequence and biophysical properties (such as structural, functional, and spatial information, amino acid conservation, physicochemical variation, residue mobility, and thermodynamic stability) indicates that this missense variant is not expected to disrupt RAI1 protein function with a negative predictive value of 80%. In summary, the available evidence is currently insufficient to determine the role of this variant in disease. Therefore, it has been classified as a Variant of Uncertain Significance.

Ambry Genetics
Classification: Uncertain significance for Inborn genetic diseases. Last evaluated: 2021-12-14. Review status: criteria provided, single submitter. Criteria: Ambry Variant Classification Scheme 2023. Collection method: clinical testing. Allele origin: germline.

PreventionGenetics, part of Exact Sciences
Classification: Uncertain significance for RAI1-related condition. Last evaluated: 2024-01-22. Review status: no assertion criteria provided. Collection method: clinical testing. Allele origin: germline. Not counted in ClinVar's aggregate classification.
Comment: The RAI1 c.4183G>C variant is predicted to result in the amino acid substitution p.Gly1395Arg. To our knowledge, this variant has not been reported in the literature. This variant is reported in one out of ~31,400 alleles in gnomAD. At this time, the clinical significance of this variant is uncertain due to the absence of conclusive functional and genetic evidence.